The following is an entry in ClinVar:

NM_001378454.1(ALMS1):c.1147A>G (p.Lys383Glu)

Gene: ALMS1 (ALMS1 centrosome and basal body associated protein; plus strand). Cytogenetic location: 2p13.1.
Variant type: single nucleotide variant.
Coding change: c.1147A>G on transcript NM_001378454.1 (MANE Select); coding-DNA position 1147, A replaced by G.
Protein change: p.Lys383Glu; replaces lysine 383 with glutamic acid.
Molecular consequence: missense variant.
Genome position (GRCh38, 1-based): chr2:73,424,812, A>G. VCF-style: chr2-73424812-A-G. GRCh37 (hg19) VCF-style: chr2-73651940-A-G.
Other names: c.1150A>G, p.Lys384Glu (NM_015120.4); short protein forms K383E, K384E.
Identifiers: ClinVar variation 1488473 (VCV001488473.3), dbSNP rs1671348306, ClinGen allele CA347261592.

ClinVar aggregate classification (germline): Uncertain significance (1 of 4 stars; one submission).

Conditions:
Alstrom syndrome (ALMS). Identifiers: Orphanet 64, MedGen C0268425, MONDO:0008763, OMIM 203800.

Allele frequency attached by ClinVar (database versions not stated): TOPMed below 0.00001.

Submission:

Labcorp Genetics (formerly Invitae), Labcorp
Classification: Uncertain significance for Alstrom syndrome. Last evaluated: 2020-12-17. Review status: criteria provided, single submitter. Criteria: Invitae Variant Classification Sherloc (09022015). Collection method: clinical testing. Allele origin: germline.
Comment: This sequence change replaces lysine with glutamic acid at codon 384 of the ALMS1 protein (p.Lys384Glu). The lysine residue is weakly conserved and there is a small physicochemical difference between lysine and glutamic acid. This variant is not present in population databases (ExAC no frequency). This variant has not been reported in the literature in individuals with ALMS1-related conditions. Experimental studies and prediction algorithms are not available or were not evaluated, and the functional significance of this variant is currently unknown. In summary, the available evidence is currently insufficient to determine the role of this variant in disease. Therefore, it has been classified as a Variant of Uncertain Significance.